The following is an entry in ClinVar:

NC_000018.9:g.(?_43547123)_(43547205_?)del

Gene: EPG5 (ectopic P-granules 5 autophagy tethering factor; minus strand). Cytogenetic location: 18q21.1.
Variant type: Deletion.
Identifiers: ClinVar variation 1425424 (VCV001425424.5).

ClinVar aggregate classification (germline): Pathogenic (1 of 4 stars; one submission).

Conditions:
Vici syndrome (VICIS). Identifiers: Orphanet 1493, MedGen C1855772, MONDO:0009452, OMIM 242840.

Submission:

Labcorp Genetics (formerly Invitae), Labcorp
Classification: Pathogenic for Vici syndrome. Last evaluated: 2022-12-21. Review status: criteria provided, single submitter. Criteria: Invitae Variant Classification Sherloc (09022015). Collection method: clinical testing. Allele origin: germline.
Comment: For these reasons, this variant has been classified as Pathogenic. A similar copy number variant has been observed in individual(s) with EPG5-related conditions (PMID: 34645488). This variant is a gross deletion of the genomic region encompassing exon(s) 1 of the EPG5 gene, which includes the initiator codon. This deletion extends beyond the assayed region for this gene and therefore may encompass additional genes. It is expected to result in an absent or disrupted protein product. Loss-of-function variants in EPG5 are known to be pathogenic (PMID: 23222957, 23674064).

Literature cited by the submitters: PubMed 34645488; PubMed 23222957; PubMed 23674064.